The following is an entry in ClinVar:

NM_000035.4(ALDOB):c.524C>A (p.Ala175Asp)

Gene: ALDOB (aldolase, fructose-bisphosphate B; minus strand). Cytogenetic location: 9q31.1.
Variant type: single nucleotide variant.
Coding change: c.524C>A on transcript NM_000035.4 (MANE Select); coding-DNA position 524, C replaced by A.
Protein change: p.Ala175Asp; replaces alanine 175 with aspartic acid.
Molecular consequence: missense variant.
Genome position (GRCh38, 1-based): chr9:101,427,498, G>T on the plus strand (C>A on the coding strand, the complement: ALDOB is on the minus strand). VCF-style: chr9-101427498-G-T. GRCh37 (hg19) VCF-style: chr9-104189780-G-T.
Other names: c.524C>A, p.Ala175Asp (LRG_1244t1); short protein forms A175D.
Identifiers: ClinVar variation 465 (VCV000000465.59), dbSNP rs76917243, ClinGen allele CA339811.

ClinVar aggregate classification (germline): Pathogenic. Review status: criteria provided, multiple submitters, no conflicts (2 of 4 stars). 28 submissions from 28 submitters: Pathogenic (23). 5 of the submissions do not count toward it. Last evaluated 2026-01-28.

Conditions:
ALDOB-related disorder. Also called: ALDOB-related condition.
Inborn genetic diseases. Identifiers: MedGen C0950123, MeSH D030342.
Hereditary fructosuria. Also called: Hereditary fructose intolerance; Fructose intolerance; ALDOB DEFICIENCY; ALDOLASE B DEFICIENCY; FRUCTOSE-1,6-BISPHOSPHATE ALDOLASE B DEFICIENCY; FRUCTOSE-1-PHOSPHATE ALDOLASE DEFICIENCY. Identifiers: Orphanet 469, MedGen C0016751, MONDO:0009249, OMIM 229600, HP:0005973. Disease mechanism: loss of function.

Allele frequency attached by ClinVar (database versions not stated): gnomAD 0.00028 and 0.00030; ExAC 0.00033; TOPMed 0.00034; gnomAD exomes 0.00036; 1000 Genomes Project 0.00040; 1000 Genomes Project 30x 0.00047.

Submissions 1 to 12 of 28:

Labcorp Genetics (formerly Invitae), Labcorp
Classification: Pathogenic for Hereditary fructosuria. Last evaluated: 2026-01-28. Review status: criteria provided, single submitter. Criteria: Invitae Variant Classification Sherloc (09022015). Collection method: clinical testing. Allele origin: germline.
Comment: This sequence change replaces alanine, which is neutral and non-polar, with aspartic acid, which is acidic and polar, at codon 175 of the ALDOB protein (p.Ala175Asp). This variant is present in population databases (rs76917243, gnomAD 0.2%). This missense change has been observed in individual(s) with hereditary fructose intolerance (PMID: 1967768, 15880727, 18541450, 26937407). It has also been observed to segregate with disease in related individuals. This variant is also known as Ala174Asp. ClinVar contains an entry for this variant (Variation ID: 465). An algorithm developed to predict the effect of missense changes on protein structure and function (PolyPhen-2) suggests that this variant is likely to be disruptive. Experimental studies have shown that this missense change affects ALDOB function (PMID: 10625657, 12417303). For these reasons, this variant has been classified as Pathogenic.

Natera, Inc.
Classification: Pathogenic for Fructose intolerance. Last evaluated: 2026-01-09. Review status: criteria provided, single submitter. Criteria: Natera Variant Classification Schema (03/2026). Collection method: clinical testing. Allele origin: germline.
Comment: The c.524C>A variant in ALDOB is a missense variant predicted to cause substitution of alanine to aspartic acid at amino acid 175. This variant is rare in the general population with a frequency below the threshold expected for the associated phenotype(s). This variant has been observed in one or more individuals affected with the associated recessive disease, as either homozygous or compound heterozygous with a second variant (PMID: 34162028). Given the available evidence, this variant is classified as Pathogenic.

CeGaT Center for Human Genetics Tuebingen
Classification: Pathogenic. Last evaluated: 2025-12-01. Review status: criteria provided, single submitter. Criteria: CeGaT Center For Human Genetics Tuebingen Variant Classification Criteria Version 2. Collection method: clinical testing. Allele origin: germline. Affected: yes. Observed: 2 variant alleles.
Comment: ALDOB: PM3:Very Strong, PM2, PP3, PS3:Supporting

3billion
Classification: Pathogenic for Hereditary fructosuria. Last evaluated: 2025-08-18. Review status: criteria provided, single submitter. Criteria: ACMG Guidelines, 2015. Collection method: clinical testing. Allele origin: germline. Affected: yes.
Comment: The variant is observed at an extremely low frequency in the gnomAD v4.1.0 dataset (total allele frequency: 0.032%). Predicted Consequence/Location: Missense variant In silico tool predictions suggest damaging effect of the variant on gene or gene product [REVEL: 0.90 (>=0.6, sensitivity 0.68 and specificity 0.92)]. The same nucleotide change resulting in the same amino acid change has been previously reported as pathogenic/likely pathogenic with strong evidence (ClinVar ID: VCV000000465 /PMID: 1967768 /3billion dataset). The variant has been reported to be in trans with a pathogenic variant as either compound heterozygous or homozygous in at least 2 similarly affected unrelated individuals (PMID: 18188031, 23430936, 26937407). Therefore, this variant is classified as Pathogenic according to the recommendation of ACMG/AMP guideline.

Immunogenetics and Transplant Biology Service, University Hospital "Città della Salute e della Scienza di Torino"
Classification: Pathogenic for Hereditary fructosuria. Last evaluated: 2025-06-28. Review status: criteria provided, single submitter. Criteria: ACMG Guidelines, 2015. Collection method: clinical testing. Allele origin: germline. Affected: yes.

Variantyx, Inc.
Classification: Pathogenic for Hereditary fructosuria. Last evaluated: 2025-03-28. Review status: criteria provided, single submitter. Criteria: Variantyx Assertion Criteria 2022. Collection method: clinical testing. Allele origin: paternal. Inheritance: Autosomal recessive inheritance.
Comment: This is a nonsynonymous variant in the ALDOB gene (OMIM: 612724). Pathogenic variants in this gene have been associated with autosomal recessive hereditary fructose intolerance. This variant has been reported in the homozygous or compound heterozygous state in many unrelated affected individuals (PMID: 31591370, 18188031) (PM3). This variant has been observed to segregate with disease in at least 3 individuals from 1 family (PMID: 18188031) (PP1). Functional studies have shown that this variant alters ALDOB protein function (PMID: 10625657) (PS3) and multiple computational algorithms predict a deleterious effect for this variant (REVEL score: 0.896) (PP3). This variant has a 0.0355% maximum allele frequency in non-founder control populations (PM2). Based on the current evidence, this variant is classified as pathogenic for autosomal recessive hereditary fructose intolerance.

Blueprint Genetics
Classification: Pathogenic for ALDOB-related disorders. Last evaluated: 2024-10-25. Review status: criteria provided, single submitter. Criteria: ACMG Guidelines, 2015. Collection method: clinical testing. Allele origin: germline. Affected: yes. Observed: 5 variant alleles.

GeneDx
Classification: Pathogenic. Last evaluated: 2023-09-21. Review status: criteria provided, single submitter. Criteria: GeneDx Variant Classification Process June 2021. Collection method: clinical testing. Allele origin: germline. Affected: yes.
Comment: In silico analysis supports that this missense variant has a deleterious effect on protein structure/function; Also known as p.(A174D); This variant is associated with the following publications: (PMID: 32709737, 20848650, 12205126, 22975760, 1967768, 26937407, 10024431, 15532022, 32860008, 31589614, 31980526, 34426522, 33726816, 31319225, 34162028, 12417303, 23430936, 15880727, 18541450, 36007526)

Laboratory for Molecular Medicine, Mass General Brigham Personalized Medicine
Classification: Pathogenic for Hereditary fructosuria. Last evaluated: 2022-11-03. Review status: criteria provided, single submitter. Criteria: ACMG Guidelines, 2015. Collection method: clinical testing. Allele origin: germline.
Comment: The p.Ala175Asp (NM_000035.3 c.524C>A) (legacy p.Ala174Asp) variant in ALDOB has been reported in atleast 5 homozygous and 13 compound heterozygous individuals with hereditary fructose intolerance (Cross 1990 PMID: 1967768, Ferri 2012 PMID: 23430936, and Valdares 2015 PMID: 26937407). It has also been identified in 0.177% (18/10146) of Ashkenazi Jewish chromosomes by the Genome Aggregation Database (gnomAD; dbSNP rs118204424, rs76917243), and has been reported in ClinVar (Variation ID#465) as pathogenic by multiple laboratories. In vitro functional studies provide evidence that the p.Ala175Asp variant impacts protein function (Esposito 2002 PMID: 12417303). This variant has been identified in 0.177% (18/10146) of Ashkenazi Jewish chromosomes by the Genome Aggregation Database (gnomAD; dbSNP rs118204424, rs76917243), though this frequency is low enough to be consistent with a recessive carrier frequency. In summary, although additional studies are required to fully establish its clinical significance, the p.Ala175Asp variant meets criteria to be classified as pathogenic for autosomal recessive hereditary fructose intolerance. ACMG/AMP criteria applied: PM3_VeryStrong, PP3, PS3_Supporting.

Department of Pathology and Laboratory Medicine, Sinai Health System
Classification: Pathogenic for Hereditary fructosuria. Last evaluated: 2022-10-31. Review status: criteria provided, single submitter. Criteria: ACMG Guidelines, 2015. Collection method: research. Allele origin: germline.

Laboratory of Medical Genetics, National & Kapodistrian University of Athens
Classification: Pathogenic for Hereditary fructosuria. Last evaluated: 2022-05-23. Review status: criteria provided, single submitter. Criteria: ACMG Guidelines, 2015. Collection method: clinical testing. Allele origin: germline. Affected: yes.
Comment: PS4, PS3, PM2, PP3, PP5

Ambry Genetics
Classification: Pathogenic for Inborn genetic diseases. Last evaluated: 2022-04-21. Review status: criteria provided, single submitter. Criteria: Ambry Variant Classification Scheme 2023. Collection method: clinical testing. Allele origin: germline.
Comment: The c.524C>A (p.A175D) alteration is located in exon 5 (coding exon 4) of the ALDOB gene. This alteration results from a C to A substitution at nucleotide position 524, causing the alanine (A) at amino acid position 175 to be replaced by an aspartic acid (D). Based on data from gnomAD, the A allele has an overall frequency of 0.04% (99/282292) total alleles studied. The highest observed frequency was 0.16% (17/10362) of Ashkenazi Jewish alleles. This alteration has been reported in multiple unrelated patients with hereditary fructose intolerance and is one of the most common mutations in the U.S. and Europe (Cross, 1990; S&aacute;nchez-Guti&eacute;rrez, 2002; Santer, 2005; Caciotti, 2008; Davit-Spraul, 2008; Valadares, 2015). This amino acid position is highly conserved in available vertebrate species. This alteration is predicted to be deleterious by in silico analysis. Based on the available evidence, this alteration is classified as pathogenic.